The following is an entry in ClinVar:

NM_001134363.3(RBM20):c.3440G>A (p.Ser1147Asn)

Gene: RBM20 (RNA binding motif protein 20; plus strand). Cytogenetic location: 10q25.2.
Variant type: single nucleotide variant.
Coding change: c.3440G>A on transcript NM_001134363.3 (MANE Select); coding-DNA position 3440, G replaced by A.
Protein change: p.Ser1147Asn; replaces serine 1147 with asparagine.
Molecular consequence: missense variant.
Genome position (GRCh38, 1-based): chr10:110,823,603, G>A. VCF-style: chr10-110823603-G-A. GRCh37 (hg19) VCF-style: chr10-112583361-G-A.
Other names: short protein forms S1147N.
Identifiers: ClinVar variation 2498049 (VCV002498049.1), dbSNP rs542392971, ClinGen allele CA378384395.

ClinVar aggregate classification (germline): Uncertain significance (1 of 4 stars; one submission).

Submission:

GeneDx
Classification: Uncertain significance. Last evaluated: 2022-10-06. Review status: criteria provided, single submitter. Criteria: GeneDx Variant Classification Process June 2021. Collection method: clinical testing. Allele origin: germline. Affected: yes.
Comment: Has not been previously published as pathogenic or benign to our knowledge; Not observed at significant frequency in large population cohorts (gnomAD); In silico analysis supports that this missense variant does not alter protein structure/function